The following is an entry in ClinVar:

ClinVar aggregate classification (germline): Uncertain significance (1 of 4 stars; one submission).

gnomAD v4.1: 20 of 1,614,104 alleles (0.0012%); highest among the groups gnomAD compares: South Asian, 0.011%; no homozygotes.

Submission:

Labcorp Genetics (formerly Invitae), Labcorp
Classification: Uncertain significance. Last evaluated: 2025-11-24. Review status: criteria provided, single submitter. Criteria: Invitae Variant Classification Sherloc (09022015). Collection method: clinical testing. Allele origin: germline.
Comment: This sequence change replaces arginine, which is basic and polar, with cysteine, which is neutral and slightly polar, at codon 481 of the LIPG protein (p.Arg481Cys). This variant is present in population databases (rs751862851, gnomAD 0.01%). This variant has not been reported in the literature in individuals affected with LIPG-related conditions. An algorithm developed to predict the effect of missense changes on protein structure and function (PolyPhen-2) suggests that this variant is likely to be disruptive. In summary, the available evidence is currently insufficient to determine the role of this variant in disease. Therefore, it has been classified as a Variant of Uncertain Significance.

NM_006033.4(LIPG):c.1441C>T (p.Arg481Cys)

Gene: LIPG (lipase G, endothelial type; plus strand). Cytogenetic location: 18q21.1.
Variant type: single nucleotide variant.
Coding change: c.1441C>T on transcript NM_006033.4 (MANE Select); coding-DNA position 1441, C replaced by T.
Protein change: p.Arg481Cys; replaces arginine 481 with cysteine.
Molecular consequence: missense variant.
Genome position (GRCh38, 1-based): chr18:49,586,810, C>T. VCF-style: chr18-49586810-C-T. GRCh37 (hg19) VCF-style: chr18-47113180-C-T.
Other names: c.1219C>T, p.Arg407Cys (NM_001308006.2); short protein forms R407C, R481C.
Identifiers: ClinVar variation 4710651 (VCV004710651.1).
Genomic context (GRCh38, chr18:49,586,810, plus strand): 5'-ACATTTTGTACAGAAGACCCTGAGAACACCAGCATATCCCCAGGCCGGGAGCTCTGGTTT[C>T]GCAAGTGTCGGGATGGCTGGAGGATGAAAAACGAAACCAGGTAACCAGGACTTTCTCACA-3'
Protein context (NP_006024.1, residues 471-491): SISPGRELWF[Arg481Cys]KCRDGWRMKN